The following is an entry in ClinVar:

ClinVar aggregate classification (germline): Uncertain significance. Review status: criteria provided, multiple submitters, no conflicts (2 of 4 stars). 2 submissions from 2 submitters: Uncertain significance (2). Last evaluated 2023-10-04.

Conditions:
Long QT syndrome (LQTS). Identifiers: MedGen C0023976, MeSH D008133, MONDO:0002442. Disease mechanism: loss of function. Inheritance: Various modes of inheritance.

Allele frequency attached by ClinVar (database versions not stated): gnomAD 0.00001; 1000 Genomes Project 30x 0.00016; 1000 Genomes Project 0.00020.
gnomAD v4.1: 1 of 1,613,982 alleles (0.000062%); highest among the groups gnomAD compares: Admixed American, 0.0017%; no homozygotes.

Submissions (2):

Labcorp Genetics (formerly Invitae), Labcorp
Classification: Uncertain significance for Long QT syndrome. Last evaluated: 2023-10-04. Review status: criteria provided, single submitter. Criteria: Invitae Variant Classification Sherloc (09022015). Collection method: clinical testing. Allele origin: germline.
Comment: This sequence change replaces alanine, which is neutral and non-polar, with glutamic acid, which is acidic and polar, at codon 317 of the CACNA1C protein (p.Ala317Glu). The frequency data for this variant in the population databases is considered unreliable, as metrics indicate poor data quality at this position in the gnomAD database. This variant has not been reported in the literature in individuals affected with CACNA1C-related conditions. Advanced modeling of protein sequence and biophysical properties (such as structural, functional, and spatial information, amino acid conservation, physicochemical variation, residue mobility, and thermodynamic stability) performed at Invitae indicates that this missense variant is expected to disrupt CACNA1C protein function. In summary, the available evidence is currently insufficient to determine the role of this variant in disease. Therefore, it has been classified as a Variant of Uncertain Significance.

Blueprint Genetics
Classification: Uncertain significance. Last evaluated: 2022-06-16. Review status: criteria provided, single submitter. Criteria: ACMG Guidelines, 2015. Collection method: clinical testing. Allele origin: germline.

NM_000719.7(CACNA1C):c.950C>A (p.Ala317Glu)

Gene: CACNA1C (calcium voltage-gated channel subunit alpha1 C; plus strand). Cytogenetic location: 12p13.33.
Variant type: single nucleotide variant.
Coding change: c.950C>A on transcript NM_000719.7 (MANE Select); coding-DNA position 950, C replaced by A.
Protein change: p.Ala317Glu; replaces alanine 317 with glutamic acid.
Molecular consequence: missense variant.
Genome position (GRCh38, 1-based): chr12:2,493,223, C>A. VCF-style: chr12-2493223-C-A. GRCh37 (hg19) VCF-style: chr12-2602389-C-A.
Other names: c.950C>A, p.Ala317Glu (NM_001129827.2, NM_001129829.2, NM_001129830.3 and 18 more transcripts); c.941C>A, p.Ala314Glu (NM_001129844.2); short protein forms A314E, A317E.
Identifiers: ClinVar variation 2919446 (VCV002919446.4), dbSNP rs533892755, ClinGen allele CA6388580.
Genomic context (GRCh38, chr12:2,493,223, plus strand): 5'-TCTCCTGTCTTCTTCTGGCCATTTGAGATGTTCCAGCAGAAGATGACCCTTCCCCTTGTG[C>A]GCTGGAAACGGGCCACGGGCGGCAGTGCCAGAACGGCACGGTGTGCAAGCCCGGCTGGGA-3'
Protein context (NP_000710.5, residues 307-327): VPAEDDPSPC[Ala317Glu]LETGHGRQCQ